The following is an entry in ClinVar:

NM_002206.3(ITGA7):c.708C>T (p.Pro236=)

Gene: ITGA7 (integrin subunit alpha 7; minus strand). Cytogenetic location: 12q13.2.
Variant type: single nucleotide variant.
Coding change: c.708C>T on transcript NM_002206.3 (MANE Select); coding-DNA position 708, C replaced by T.
Protein change: p.Pro236=; no amino-acid change (proline 236 retained).
Molecular consequence: synonymous variant. On other transcripts: intron variant (7).
Genome position (GRCh38, 1-based): chr12:55,699,952, G>A on the plus strand (C>T on the coding strand, the complement: ITGA7 is on the minus strand). VCF-style: chr12-55699952-G-A. GRCh37 (hg19) VCF-style: chr12-56093736-G-A.
Other names: c.708C>T, p.Pro236= (NM_001414031.1, NM_001414034.1, NM_001374465.1); c.525C>T, p.Pro175= (NM_001414033.1); c.369C>T, p.Pro123= (NM_001414035.1); c.511+310C>T (NM_001144997.2); c.463+310C>T (NM_001367993.1); c.840C>T, p.Pro280= (NM_001410977.1); c.-503+947C>T (NM_001367994.1); c.670+947C>T (NM_001414032.1); and 1 more.
Identifiers: ClinVar variation 390850 (VCV000390850.16), dbSNP rs555521550, ClinGen allele CA6616194.

ClinVar aggregate classification (germline): Likely benign. Review status: criteria provided, multiple submitters, no conflicts (2 of 4 stars). 2 submissions from 2 submitters: Likely benign (2). Last evaluated 2024-03-12.

Conditions:
Congenital muscular dystrophy due to integrin alpha-7 deficiency. Also called: MYOPATHY, CONGENITAL, DUE TO INTEGRIN ALPHA-7 DEFICIENCY; Congenital muscular dystrophy with integrin alpha-7 deficiency; Muscular dystrophy, congenital, due to ITGA7 deficiency. Identifiers: Orphanet 34520, MedGen C2750786, MONDO:0013177, OMIM 613204.

Allele frequency attached by ClinVar (database versions not stated): gnomAD exomes 0.00005; TOPMed 0.00006; ExAC 0.00007; 1000 Genomes Project 0.00020; 1000 Genomes Project 30x 0.00031.
gnomAD v4.1: 34 of 1,614,156 alleles (0.0021%); highest among the groups gnomAD compares: Middle Eastern, 0.016%; no homozygotes.

Submissions (2):

Labcorp Genetics (formerly Invitae), Labcorp
Classification: Likely benign for Congenital muscular dystrophy due to integrin alpha-7 deficiency. Last evaluated: 2024-03-12. Review status: criteria provided, single submitter. Criteria: Invitae Variant Classification Sherloc (09022015). Collection method: clinical testing. Allele origin: germline.

GeneDx
Classification: Likely benign. Last evaluated: 2016-11-16. Review status: criteria provided, single submitter. Criteria: GeneDx Variant Classification (06012015). Collection method: clinical testing. Allele origin: germline. Affected: yes.
Comment: This variant is considered likely benign or benign based on one or more of the following criteria: it is a conservative change, it occurs at a poorly conserved position in the protein, it is predicted to be benign by multiple in silico algorithms, and/or has population frequency not consistent with disease.